The following is an entry in ClinVar:

NM_031885.5(BBS2):c.929T>C (p.Val310Ala)

Gene: BBS2 (Bardet-Biedl syndrome 2; minus strand). Cytogenetic location: 16q13.
Variant type: single nucleotide variant.
Coding change: c.929T>C on transcript NM_031885.5 (MANE Select); coding-DNA position 929, T replaced by C.
Protein change: p.Val310Ala; replaces valine 310 with alanine.
Molecular consequence: missense variant. On other transcripts: non-coding transcript variant (5).
Genome position (GRCh38, 1-based): chr16:56,502,684, A>G on the plus strand (T>C on the coding strand, the complement: BBS2 is on the minus strand). VCF-style: chr16-56502684-A-G. GRCh37 (hg19) VCF-style: chr16-56536596-A-G.
Other names: c.929T>C, p.Val310Ala (NM_001377456.1); short protein forms V310A.
Identifiers: ClinVar variation 4998737 (VCV004998737.1).

ClinVar aggregate classification (germline): Uncertain significance (1 of 4 stars; one submission).

Conditions:
BBS2-related disorder. Also called: BBS2-related condition; BBS2-related disorders. Identifiers: MedGen CN239228.

Submission:

PreventionGenetics, part of Exact Sciences
Classification: Uncertain significance for BBS2-related condition. Last evaluated: 2024-12-21. Review status: criteria provided, single submitter. Criteria: ACMG Guidelines, 2015. Collection method: clinical testing. Allele origin: germline.
Comment: The BBS2 c.929T>C variant is predicted to result in the amino acid substitution p.Val310Ala. To our knowledge, this variant has not been reported in the literature or in a large population database (gnomAD), indicating this variant is rare. At this time, the clinical significance of this variant is uncertain due to the absence of conclusive functional and genetic evidence.